The following is an entry in ClinVar:

NM_000238.4(KCNH2):c.865G>C (p.Glu289Gln)

Gene: KCNH2 (potassium voltage-gated channel subfamily H member 2; minus strand). Cytogenetic location: 7q36.1.
Variant type: single nucleotide variant.
Coding change: c.865G>C on transcript NM_000238.4 (MANE Select); coding-DNA position 865, G replaced by C.
Protein change: p.Glu289Gln; replaces glutamic acid 289 with glutamine.
Molecular consequence: missense variant.
Genome position (GRCh38, 1-based): chr7:150,958,110, C>G on the plus strand (G>C on the coding strand, the complement: KCNH2 is on the minus strand). VCF-style: chr7-150958110-C-G. GRCh37 (hg19) VCF-style: chr7-150655198-C-G.
Other names: c.577G>C, p.Glu193Gln (NM_001406753.1, NM_001406756.1); c.688G>C, p.Glu230Gln (NM_001406755.1); c.565G>C, p.Glu189Gln (NM_001406757.1); c.865G>C, p.Glu289Gln (NM_172056.3); short protein forms E230Q, E189Q, E193Q, E289Q.
Identifiers: ClinVar variation 1764220 (VCV001764220.5), dbSNP rs199472880, ClinGen allele CA369862224.
Genomic context (GRCh38, chr7:150,958,110, plus strand): 5'-CGCCCTCACCGGTGCTGGCGTGGCGCGGTGGCGGGGGCAGCACCCCGGCGCGCATGGCCT[C>G]GATGTCGTCGGCCGACGAGGCGCGGCGCACGCTGGCGCAGCTTTCTCGGGAGCGCGTCCG-3'
Protein context (NP_000229.1, residues 279-299): VRRASSADDI[Glu289Gln]AMRAGVLPPP

ClinVar aggregate classification (germline): Uncertain significance. Review status: criteria provided, multiple submitters, no conflicts (2 of 4 stars). 2 submissions from 2 submitters: Uncertain significance (2). Last evaluated 2023-10-25.

Conditions:
Cardiovascular phenotype. Identifiers: MedGen CN230736.
Long QT syndrome (LQTS). Identifiers: MedGen C0023976, MeSH D008133, MONDO:0002442. Disease mechanism: loss of function. Inheritance: Various modes of inheritance.

gnomAD v4.1: 3 of 1,296,880 alleles (0.00023%); highest among the groups gnomAD compares: Non-Finnish European, 0.00029%; no homozygotes.

Submissions (2):

Ambry Genetics
Classification: Uncertain significance for Cardiovascular phenotype. Last evaluated: 2023-10-25. Review status: criteria provided, single submitter. Criteria: Ambry Variant Classification Scheme 2023. Collection method: clinical testing. Allele origin: germline.
Comment: The p.E289Q variant (also known as c.865G>C), located in coding exon 4 of the KCNH2 gene, results from a G to C substitution at nucleotide position 865. The glutamic acid at codon 289 is replaced by glutamine, an amino acid with highly similar properties. This amino acid position is highly conserved in available vertebrate species. In addition, this alteration is predicted to be deleterious by in silico analysis. Since supporting evidence is limited at this time, the clinical significance of this alteration remains unclear.

Labcorp Genetics (formerly Invitae), Labcorp
Classification: Uncertain significance for Long QT syndrome. Last evaluated: 2023-07-17. Review status: criteria provided, single submitter. Criteria: Invitae Variant Classification Sherloc (09022015). Collection method: clinical testing. Allele origin: germline.
Comment: In summary, the available evidence is currently insufficient to determine the role of this variant in disease. Therefore, it has been classified as a Variant of Uncertain Significance. An algorithm developed to predict the effect of missense changes on protein structure and function (PolyPhen-2) suggests that this variant is likely to be disruptive. ClinVar contains an entry for this variant (Variation ID: 1764220). This variant has not been reported in the literature in individuals affected with KCNH2-related conditions. This variant is not present in population databases (gnomAD no frequency). This sequence change replaces glutamic acid, which is acidic and polar, with glutamine, which is neutral and polar, at codon 289 of the KCNH2 protein (p.Glu289Gln).